The following is an entry in ClinVar:

NM_000260.4(MYO7A):c.1506G>T (p.Lys502Asn)

Gene: MYO7A (myosin VIIA; plus strand). Cytogenetic location: 11q13.5.
Variant type: single nucleotide variant.
Coding change: c.1506G>T on transcript NM_000260.4 (MANE Select); coding-DNA position 1506, G replaced by T.
Protein change: p.Lys502Asn; replaces lysine 502 with asparagine.
Molecular consequence: missense variant.
Genome position (GRCh38, 1-based): chr11:77,162,282, G>T. VCF-style: chr11-77162282-G-T. GRCh37 (hg19) VCF-style: chr11-76873328-G-T.
Other names: c.1506G>T (NM_000260.3); c.1506G>T, p.Lys502Asn (NM_001127180.2); c.1473G>T, p.Lys491Asn (NM_001369365.1); short protein forms K502N, K491N.
Identifiers: ClinVar variation 1351867 (VCV001351867.9), dbSNP rs181126043, ClinGen allele CA6197504.

ClinVar aggregate classification (germline): Uncertain significance. Review status: criteria provided, multiple submitters, no conflicts (2 of 4 stars). 2 submissions from 2 submitters: Uncertain significance (2). Last evaluated 2025-09-26.

Conditions:
Inborn genetic diseases. Identifiers: MedGen C0950123, MeSH D030342.

Allele frequency attached by ClinVar (database versions not stated): 1000 Genomes Project 0.00040; 1000 Genomes Project 30x 0.00047.
gnomAD v4.1: 5 of 1,553,198 alleles (0.00032%); highest among the groups gnomAD compares: Admixed American, 0.0098%; no homozygotes.

Submissions (2):

Ambry Genetics
Classification: Uncertain significance for Inborn genetic diseases. Last evaluated: 2025-09-26. Review status: criteria provided, single submitter. Criteria: Ambry Variant Classification Scheme 2023. Collection method: clinical testing. Allele origin: germline.
Comment: The c.1506G>T (p.K502N) alteration is located in exon 13 (coding exon 12) of the MYO7A gene. This alteration results from a G to T substitution at nucleotide position 1506, causing the lysine (K) at amino acid position 502 to be replaced by an asparagine (N). Based on data from gnomAD, the T allele has an overall frequency of 0.001% (1/159096) total alleles studied. The highest observed frequency was 0.004% (1/24768) of Latino alleles. Based on insufficient or conflicting evidence, the clinical significance of this alteration remains unclear.

Labcorp Genetics (formerly Invitae), Labcorp
Classification: Uncertain significance. Last evaluated: 2023-08-14. Review status: criteria provided, single submitter. Criteria: Invitae Variant Classification Sherloc (09022015). Collection method: clinical testing. Allele origin: germline.
Comment: This sequence change replaces lysine, which is basic and polar, with asparagine, which is neutral and polar, at codon 502 of the MYO7A protein (p.Lys502Asn). This variant is present in population databases (rs181126043, gnomAD 0.004%). This variant has not been reported in the literature in individuals affected with MYO7A-related conditions. ClinVar contains an entry for this variant (Variation ID: 1351867). Advanced modeling of protein sequence and biophysical properties (such as structural, functional, and spatial information, amino acid conservation, physicochemical variation, residue mobility, and thermodynamic stability) performed at Invitae indicates that this missense variant is not expected to disrupt MYO7A protein function. In summary, the available evidence is currently insufficient to determine the role of this variant in disease. Therefore, it has been classified as a Variant of Uncertain Significance.